The following is an entry in ClinVar:

ClinVar aggregate classification (germline): Uncertain significance (1 of 4 stars; one submission).

Conditions:
Vissers-Bodmer syndrome. Identifiers: MedGen C5436647, MONDO:0033618, OMIM 619033.

Submission:

3billion
Classification: Uncertain significance for Vissers-Bodmer syndrome. Last evaluated: 2025-11-11. Review status: criteria provided, single submitter. Criteria: ACMG Guidelines, 2015. Collection method: clinical testing. Allele origin: germline. Affected: yes.
Comment: The variant is not observed in the gnomAD v4.1.0 dataset. Predicted Consequence/Location: Missense variant In silico tool predictions suggest damaging effect of the variant on gene or gene product [Cnet: 0.92 (> 0.75, sensitivity 0.96 and precision 0.92)]. Therefore, this variant is classified as VUS according to the recommendation of ACMG/AMP guideline.

NM_016284.5(CNOT1):c.4330A>T (p.Met1444Leu)

Gene: CNOT1 (CCR4-NOT transcription complex subunit 1; minus strand). Cytogenetic location: 16q21.
Variant type: single nucleotide variant.
Coding change: c.4330A>T on transcript NM_016284.5 (MANE Select); coding-DNA position 4330, A replaced by T.
Protein change: p.Met1444Leu; replaces methionine 1444 with leucine.
Molecular consequence: missense variant. On other transcripts: non-coding transcript variant (1).
Genome position (GRCh38, 1-based): chr16:58,543,711, T>A on the plus strand (A>T on the coding strand, the complement: CNOT1 is on the minus strand). VCF-style: chr16-58543711-T-A. GRCh37 (hg19) VCF-style: chr16-58577615-T-A.
Other names: c.4315A>T, p.Met1439Leu (NM_001265612.2); c.4330A>T, p.Met1444Leu (NM_206999.3); short protein forms M1439L, M1444L.
Identifiers: ClinVar variation 4853877 (VCV004853877.1).